The following is an entry in ClinVar:

ClinVar aggregate classification (germline): Uncertain significance (1 of 4 stars; one submission).

Submission:

Ambry Genetics
Classification: Uncertain significance. Last evaluated: 2023-12-10. Review status: criteria provided, single submitter. Criteria: Ambry Variant Classification Scheme 2023. Collection method: clinical testing. Allele origin: germline.
Comment: The p.L515I variant (also known as c.1543C>A), located in coding exon 13 of the NPAT gene, results from a C to A substitution at nucleotide position 1543. The leucine at codon 515 is replaced by isoleucine, an amino acid with highly similar properties. This amino acid position is conserved. In addition, this alteration is predicted to be tolerated by in silico analysis. Since supporting evidence is limited at this time, the clinical significance of this alteration remains unclear.

NM_002519.3(NPAT):c.1543C>A (p.Leu515Ile)

Gene: NPAT (nuclear protein, coactivator of histone transcription; minus strand). Cytogenetic location: 11q22.3.
Variant type: single nucleotide variant.
Coding change: c.1543C>A on transcript NM_002519.3 (MANE Select); coding-DNA position 1543, C replaced by A.
Protein change: p.Leu515Ile; replaces leucine 515 with isoleucine.
Molecular consequence: missense variant.
Genome position (GRCh38, 1-based): chr11:108,173,441, G>T on the plus strand (C>A on the coding strand, the complement: NPAT is on the minus strand). VCF-style: chr11-108173441-G-T. GRCh37 (hg19) VCF-style: chr11-108044168-G-T.
Other names: c.1543C>A, p.Leu515Ile (NM_001321307.1); short protein forms L515I.
Identifiers: ClinVar variation 3222475 (VCV003222475.1), dbSNP rs1396640674, ClinGen allele CA382514909.